The following is an entry in ClinVar:

ClinVar aggregate classification (germline): Likely benign. Review status: criteria provided, multiple submitters, no conflicts (2 of 4 stars). 2 submissions from 2 submitters: Likely benign (2). Last evaluated 2024-06-20.

Conditions:
Ataxia-telangiectasia syndrome (AT). Also called: Ataxia telangiectasia (A-T); ATAXIA-TELANGIECTASIA, COMPLEMENTATION GROUP A; ATAXIA-TELANGIECTASIA, FRESNO VARIANT; Ataxia-telangiectasia; Ataxia-telangiectasia, complementation group E; LOUIS-BAR SYNDROME. Identifiers: Orphanet 100, MedGen C0004135, MONDO:0008840, OMIM 208900.
Familial cancer of breast. Also called: Hereditary breast cancer; hereditary breast carcinoma; BREAST CANCER, FAMILIAL. Identifiers: Orphanet 227535, MedGen C0346153, MONDO:0016419, OMIM 114480. Disease mechanism: loss of function.

Submissions (2):

Myriad Genetics, Inc.
Classification: Likely benign for Familial cancer of breast. Last evaluated: 2024-06-20. Review status: criteria provided, single submitter. Criteria: Myriad Autosomal Dominant, Autosomal Recessive and X-Linked Classification Criteria (2023). Collection method: clinical testing. Allele origin: unknown.
Comment: This variant is considered likely benign. This variant is intronic and is not expected to impact mRNA splicing.

Labcorp Genetics (formerly Invitae), Labcorp
Classification: Likely benign for Ataxia-telangiectasia syndrome. Last evaluated: 2022-11-08. Review status: criteria provided, single submitter. Criteria: Invitae Variant Classification Sherloc (09022015). Collection method: clinical testing. Allele origin: germline.

NM_000051.4(ATM):c.8585-8T>C

Genes: ATM (ATM serine/threonine kinase; plus strand), C11orf65 (chromosome 11 open reading frame 65; minus strand). Cytogenetic location: 11q22.3.
Variant type: single nucleotide variant.
Coding change: c.8585-8T>C on transcript NM_000051.4 (MANE Select); 8 bases into the intron before coding-DNA position 8585, T replaced by C.
Molecular consequence: intron variant.
Genome position (GRCh38, 1-based): chr11:108,347,271, T>C. VCF-style: chr11-108347271-T-C. GRCh37 (hg19) VCF-style: chr11-108217998-T-C.
Other names: c.8585-8T>C (NM_001351834.2); c.641-38200A>G (NM_001330368.2); c.695-11979A>G (NM_001351110.2).
Identifiers: ClinVar variation 1100160 (VCV001100160.10), dbSNP rs2137077459, ClinGen allele CA2499220730.
Genomic context (GRCh38, chr11:108,347,271, plus strand): 5'-AATTATGGCTATATATTAGAAAGAGATGGAATCAGTGATTTCAGATTGTTTGTTTCTTTT[T>C]TCTCCAGTTGGTTACATACTTGGACTTGGTGATAGACATGTACAGAATATCTTGATAAAT-3'